The following is an entry in ClinVar:

ClinVar aggregate classification (germline): Uncertain significance (1 of 4 stars; one submission).

Conditions:
Long QT syndrome (LQTS). Identifiers: MedGen C0023976, MeSH D008133, MONDO:0002442. Disease mechanism: loss of function. Inheritance: Various modes of inheritance.

Allele frequency attached by ClinVar (database versions not stated): TOPMed below 0.00001; gnomAD 0.00001; gnomAD exomes 0.00001.
gnomAD v4.1: 9 of 1,613,910 alleles (0.00056%); highest among the groups gnomAD compares: Non-Finnish European, 0.00076%; no homozygotes.

Submission:

Labcorp Genetics (formerly Invitae), Labcorp
Classification: Uncertain significance for Long QT syndrome. Last evaluated: 2023-01-15. Review status: criteria provided, single submitter. Criteria: Invitae Variant Classification Sherloc (09022015). Collection method: clinical testing. Allele origin: germline.
Comment: In summary, the available evidence is currently insufficient to determine the role of this variant in disease. Therefore, it has been classified as a Variant of Uncertain Significance. Algorithms developed to predict the effect of missense changes on protein structure and function are either unavailable or do not agree on the potential impact of this missense change (SIFT: "Deleterious"; PolyPhen-2: "Benign"; Align-GVGD: "Class C0"). This variant has not been reported in the literature in individuals affected with ANK2-related conditions. This variant is not present in population databases (gnomAD no frequency). This sequence change replaces isoleucine, which is neutral and non-polar, with serine, which is neutral and polar, at codon 1532 of the ANK2 protein (p.Ile1532Ser).

NM_001148.6(ANK2):c.4595T>G (p.Ile1532Ser)

Gene: ANK2 (ankyrin 2; plus strand). Cytogenetic location: 4q26.
Variant type: single nucleotide variant.
Coding change: c.4595T>G on transcript NM_001148.6 (MANE Select); coding-DNA position 4595, T replaced by G.
Protein change: p.Ile1532Ser; replaces isoleucine 1532 with serine.
Molecular consequence: missense variant. On other transcripts: intron variant (68).
Genome position (GRCh38, 1-based): chr4:113,353,213, T>G. VCF-style: chr4-113353213-T-G. GRCh37 (hg19) VCF-style: chr4-114274369-T-G.
Other names: c.4361T>G, p.Ile1454Ser (NM_001386142.1); c.995T>G, p.Ile332Ser (NM_001386166.1); c.4736T>G, p.Ile1579Ser (NM_001386174.1); c.4712T>G, p.Ile1571Ser (NM_001386175.1); c.4411+2964T>G (NM_001386186.2, NM_001386148.2); c.4213+2964T>G (NM_001354269.3); c.4291+2964T>G (NM_001386187.2); c.4252+2964T>G (NM_001386147.1); and 35 more; short protein forms I1532S, I332S, I1571S, I1454S, I1579S.
Identifiers: ClinVar variation 2754411 (VCV002754411.3), dbSNP rs1237070524, ClinGen allele CA357915090.